The following is an entry in ClinVar:

NM_000051.4(ATM):c.4411A>G (p.Thr1471Ala)

Gene: ATM (ATM serine/threonine kinase; plus strand). Cytogenetic location: 11q22.3.
Variant type: single nucleotide variant.
Coding change: c.4411A>G on transcript NM_000051.4 (MANE Select); coding-DNA position 4411, A replaced by G.
Protein change: p.Thr1471Ala; replaces threonine 1471 with alanine.
Molecular consequence: missense variant.
Genome position (GRCh38, 1-based): chr11:108,289,776, A>G. VCF-style: chr11-108289776-A-G. GRCh37 (hg19) VCF-style: chr11-108160503-A-G.
Other names: c.4411A>G, p.Thr1471Ala (NM_001351834.2); c.4411A>G (NM_000051.3); short protein forms T1471A.
Identifiers: ClinVar variation 1060523 (VCV001060523.8), dbSNP rs2082684549, ClinGen allele CA382532243.

ClinVar aggregate classification (germline): Uncertain significance. Review status: criteria provided, multiple submitters, no conflicts (2 of 4 stars). 3 submissions from 3 submitters: Uncertain significance (3). Last evaluated 2023-06-06.

Conditions:
Ataxia-telangiectasia syndrome (AT). Also called: ATAXIA-TELANGIECTASIA, FRESNO VARIANT; Ataxia-telangiectasia, complementation group D; AT, COMPLEMENTATION GROUP C; Ataxia-telangiectasia; Ataxia-telangiectasia, complementation group E; Ataxia telangiectasia (A-T). Identifiers: Orphanet 100, MedGen C0004135, MONDO:0008840, OMIM 208900.
Familial cancer of breast. Also called: hereditary breast carcinoma; BREAST CANCER, FAMILIAL; Hereditary breast cancer. Identifiers: Orphanet 227535, MedGen C0346153, MONDO:0016419, OMIM 114480. Disease mechanism: loss of function.

gnomAD v4.1: 1 of 1,613,180 alleles (0.000062%); no homozygotes.

Submissions (3):

KCCC/NGS Laboratory, Kuwait Cancer Control Center
Classification: Uncertain significance for Familial cancer of breast. Last evaluated: 2023-06-06. Review status: criteria provided, single submitter. Criteria: ACMG Guidelines, 2015. Collection method: clinical testing. Allele origin: germline. Affected: yes.
Comment: a variant of uncertain significance was detected in the ATM gene (p.Thr1471Ala). This sequence change replaces threonine with alanine at codon 1471 of the ATM protein (p.Thr1471Ala). The threonine residue is highly conserved and there is a small physicochemical difference between threonine and alanine. This variant is not present in population databases (ExAC no frequency). This variant has not been reported in the literature in individuals with ATM-related conditions. Insilico predictions show pathogenic computational verdict based on 9 pathogenic predictions from BayesDel_addAF, DANN, EIGEN, FATHMMMKL, M-CAP, MVP, MutationAssessor, MutationTaster and SIFT vs 3 benign predictions from DEOGEN2, LIST-S2 and PrimateAI. Therefore, it has been classified as a Variant of Uncertain Significance. Pathogenic/likely pathogenic mutations in the ATM gene cause susceptibility to breast cancer (OMIM 114480).

Mendelics
Classification: Uncertain significance. Last evaluated: 2022-05-04. Review status: criteria provided, single submitter. Criteria: Mendelics Assertion Criteria 2019. Collection method: clinical testing. Allele origin: germline.

Labcorp Genetics (formerly Invitae), Labcorp
Classification: Uncertain significance for Ataxia-telangiectasia syndrome. Last evaluated: 2022-02-27. Review status: criteria provided, single submitter. Criteria: Invitae Variant Classification Sherloc (09022015). Collection method: clinical testing. Allele origin: germline.
Comment: This sequence change replaces threonine, which is neutral and polar, with alanine, which is neutral and non-polar, at codon 1471 of the ATM protein (p.Thr1471Ala). This variant is not present in population databases (gnomAD no frequency). This variant has not been reported in the literature in individuals affected with ATM-related conditions. ClinVar contains an entry for this variant (Variation ID: 1060523). Advanced modeling of protein sequence and biophysical properties (such as structural, functional, and spatial information, amino acid conservation, physicochemical variation, residue mobility, and thermodynamic stability) performed at Invitae indicates that this missense variant is not expected to disrupt ATM protein function. In summary, the available evidence is currently insufficient to determine the role of this variant in disease. Therefore, it has been classified as a Variant of Uncertain Significance.